The following is an entry in ClinVar:

ClinVar aggregate classification (germline): Uncertain significance (1 of 4 stars; one submission).

Submission:

GeneDx
Classification: Uncertain significance. Last evaluated: 2025-06-14. Review status: criteria provided, single submitter. Criteria: GeneDx Variant Classification Process June 2021. Collection method: clinical testing. Allele origin: germline. Affected: yes.
Comment: Not observed at significant frequency in large population cohorts (gnomAD); In silico analysis supports that this missense variant has a deleterious effect on protein structure/function; Has not been previously published as pathogenic or benign to our knowledge

NM_004977.3(KCNC3):c.1160T>G (p.Val387Gly)

Gene: KCNC3 (potassium voltage-gated channel subfamily C member 3; minus strand). Cytogenetic location: 19q13.33.
Variant type: single nucleotide variant.
Coding change: c.1160T>G on transcript NM_004977.3 (MANE Select); coding-DNA position 1160, T replaced by G.
Protein change: p.Val387Gly; replaces valine 387 with glycine.
Molecular consequence: missense variant.
Genome position (GRCh38, 1-based): chr19:50,323,793, A>C on the plus strand (T>G on the coding strand, the complement: KCNC3 is on the minus strand). VCF-style: chr19-50323793-A-C. GRCh37 (hg19) VCF-style: chr19-50827050-A-C.
Other names: c.932T>G, p.Val311Gly (NM_001372305.1); short protein forms V311G, V387G.
Identifiers: ClinVar variation 4540034 (VCV004540034.1).